The following is an entry in ClinVar:

ClinVar aggregate classification (germline): Uncertain significance (1 of 4 stars; one submission).

Conditions:
Inborn genetic diseases. Identifiers: MedGen C0950123, MeSH D030342.

Submission:

Ambry Genetics
Classification: Uncertain significance for Inborn genetic diseases. Last evaluated: 2025-02-05. Review status: criteria provided, single submitter. Criteria: Ambry Variant Classification Scheme 2023. Collection method: clinical testing. Allele origin: germline.
Comment: The c.688_711del24 variant (also known as p.T230_P237del) is located in coding exon 1 of the CEBPA gene. This variant results from an in-frame ACGCCCGTGCCCAGCCCGCACCCC deletion at nucleotide positions 688 to 711. This results in the in-frame deletion of 8 amino acids (TPVPSPHP) at codons 230 to 237. This amino acid region is highly conserved in available vertebrate species. In addition, this alteration is predicted to be deleterious by in silico analysis (Choi Y et al. PLoS ONE. 2012; 7(10):e46688). Based on the available evidence, the clinical significance of this variant remains unclear.

NM_004364.5(CEBPA):c.688_711del (p.Thr230_Pro237del)

Gene: CEBPA (CCAAT enhancer binding protein alpha; minus strand). Cytogenetic location: 19q13.11.
Variant type: Deletion.
Coding change: c.688_711del on transcript NM_004364.5 (MANE Select); coding-DNA positions 688 to 711, 24 bases deleted (ACGCCCGTGCCCAGCCCGCACCCC).
Protein change: p.Thr230_Pro237del.
Molecular consequence: inframe deletion. On other transcripts: inframe indel (1).
Genome position (GRCh38, 1-based): chr19:33,301,704-33,301,727, GGGGTGCGGGCTGGGCACGGGCGT deleted on the plus strand (ACGCCCGTGCCCAGCCCGCACCCC on the coding strand, the reverse complement: CEBPA is on the minus strand); deleting any 24 consecutive bases within chr19:33,301,704-33,301,730 gives the same sequence; the c. name uses the placement nearest the transcript's 3' end. VCF-style (leftmost placement, unchanged base first): chr19-33301703-CGGGGTGCGGGCTGGGCACGGGCGT-C. GRCh37 (hg19) VCF-style: chr19-33792609-CGGGGTGCGGGCTGGGCACGGGCGT-C.
Other names: c.331_354del, p.Thr111_Pro118del (NM_001285829.2); c.793_816del, p.Thr265_Pro272del (NM_001287424.2); c.646_669del, p.Thr216_Pro223del (NM_001287435.2); c.688_711del24 (NM_004364.3).
Identifiers: ClinVar variation 3831183 (VCV003831183.1).